The following is an entry in ClinVar:

ClinVar aggregate classification (germline): Uncertain significance (1 of 4 stars; one submission).

Conditions:
Hereditary cancer-predisposing syndrome. Also called: Tumor predisposition; Hereditary Cancer Syndrome; Hereditary neoplastic syndrome; Neoplastic Syndromes, Hereditary. Identifiers: Orphanet 140162, MedGen C0027672, MeSH D009386, MONDO:0015356.

Submission:

Ambry Genetics
Classification: Uncertain significance for Hereditary cancer-predisposing syndrome. Last evaluated: 2026-01-16. Review status: criteria provided, single submitter. Criteria: Ambry Variant Classification Scheme 2023. Collection method: clinical testing. Allele origin: germline.
Comment: The c.4511delT variant, located in coding exon 35 of the POLE gene, results from a deletion of one nucleotide at nucleotide position 4511, causing a translational frameshift with a predicted alternate stop codon (p.I1504Tfs*58). This alteration is expected to result in loss of function by premature protein truncation or nonsense-mediated mRNA decay. Although biallelic loss of function of POLE has been associated with autosomal recessive POLE deficiency, haploinsufficiency of POLE has not been established as a mechanism of disease for POLE-related polymerase proofreading-associated polyposis (PPAP) and POLE-related CMMRD-like syndrome. Based on the supporting evidence, this variant is expected to be causative of POLE deficiency when present along with a second pathogenic variant on the other allele; however, its clinical significance for PPAP and POLE-related CMMRD-like syndrome is unclear.

NM_006231.4(POLE):c.4511del (p.Ile1504fs)

Gene: POLE (DNA polymerase epsilon, catalytic subunit; minus strand). Cytogenetic location: 12q24.33.
Variant type: Deletion.
Coding change: c.4511del on transcript NM_006231.4 (MANE Select); coding-DNA position 4511, one base deleted (T; older notation c.4511delT).
Protein change: p.Ile1504fs; shifts the reading frame from isoleucine 1504.
Molecular consequence: frameshift variant.
Genome position (GRCh38, 1-based): chr12:132,643,264, A deleted on the plus strand (T on the coding strand, the reverse complement: POLE is on the minus strand). VCF-style (leftmost placement, unchanged base first): chr12-132643263-GA-G. GRCh37 (hg19) VCF-style: chr12-133219849-GA-G.
Other names: short protein forms I1504fs.
Identifiers: ClinVar variation 1741131 (VCV001741131.3), dbSNP rs2541889693, ClinGen allele CA2580086067.